The following is an entry in ClinVar:

ClinVar aggregate classification (germline): Benign. Review status: criteria provided, multiple submitters, no conflicts (2 of 4 stars). 2 submissions from 2 submitters: Benign (2). Last evaluated 2018-06-14.

Allele frequency attached by ClinVar (database versions not stated): 1000 Genomes Project 30x 0.06121; 1000 Genomes Project 0.06290; gnomAD 0.06413 and 0.06614; TOPMed 0.06429.
gnomAD v4.1: 104,924 of 1,303,166 alleles (8.1%); highest among the groups gnomAD compares: Middle Eastern, 18%; 4,928 homozygotes.

Submissions (2):

GeneDx
Classification: Benign. Last evaluated: 2018-06-14. Review status: criteria provided, single submitter. Criteria: GeneDx Variant Classification (06012015). Collection method: clinical testing. Allele origin: germline. Affected: yes.
Comment: This variant is considered likely benign or benign based on one or more of the following criteria: it is a conservative change, it occurs at a poorly conserved position in the protein, it is predicted to be benign by multiple in silico algorithms, and/or has population frequency not consistent with disease.

Breakthrough Genomics
Classification: Benign. Review status: criteria provided, single submitter. Criteria: ACMG Guidelines, 2015. Collection method: not provided. Allele origin: germline. Inheritance: Autosomal recessive inheritance. Affected: yes.

NM_018838.5(NDUFA12):c.86+96C>A

Gene: NDUFA12 (NADH:ubiquinone oxidoreductase subunit A12; minus strand). Cytogenetic location: 12q22.
Variant type: single nucleotide variant.
Coding change: c.86+96C>A on transcript NM_018838.5 (MANE Select); 96 bases into the intron after coding-DNA position 86, C replaced by A.
Molecular consequence: intron variant.
Genome position (GRCh38, 1-based): chr12:95,003,499, G>T on the plus strand (C>A on the coding strand, the complement: NDUFA12 is on the minus strand). VCF-style: chr12-95003499-G-T. GRCh37 (hg19) VCF-style: chr12-95397275-G-T.
Other names: c.86+96C>A (NM_001258338.2).
Identifiers: ClinVar variation 676157 (VCV000676157.2), dbSNP rs17321986, ClinGen allele CA13673091.